The following is an entry in ClinVar:

ClinVar aggregate classification (germline): Uncertain significance (1 of 4 stars; one submission).

Conditions:
Hypertrophic cardiomyopathy. Also called: HYPERTROPHIC MYOCARDIOPATHY. Identifiers: Orphanet 217569, MedGen C0007194, MeSH D002312, MONDO:0005045, HP:0001639.

Submission:

Labcorp Genetics (formerly Invitae), Labcorp
Classification: Uncertain significance for Hypertrophic cardiomyopathy. Last evaluated: 2021-03-22. Review status: criteria provided, single submitter. Criteria: Invitae Variant Classification Sherloc (09022015). Collection method: clinical testing. Allele origin: germline.
Comment: This sequence change replaces valine with alanine at codon 406 of the MYH7 protein (p.Val406Ala). The valine residue is highly conserved and there is a small physicochemical difference between valine and alanine. This variant is not present in population databases (ExAC no frequency). This variant has not been reported in the literature in individuals with MYH7-related conditions. Algorithms developed to predict the effect of missense changes on protein structure and function are either unavailable or do not agree on the potential impact of this missense change (SIFT: "Deleterious"; PolyPhen-2: "Probably Damaging"; Align-GVGD: "Class C0"). This variant is found within a region of MYH7 between codons 181 and 937 that contains the majority of the myosin head domain. Missense variants in this region have been shown to be significantly overrepresented in individuals with hypertrophic cardiomyopathy (PMID: 27532257). In summary, the available evidence is currently insufficient to determine the role of this variant in disease. Therefore, it has been classified as a Variant of Uncertain Significance.

Literature cited by the submitters: PubMed 27532257.

NM_000257.4(MYH7):c.1217T>C (p.Val406Ala)

Gene: MYH7 (myosin heavy chain 7; minus strand). Cytogenetic location: 14q11.2.
Variant type: single nucleotide variant.
Coding change: c.1217T>C on transcript NM_000257.4 (MANE Select); coding-DNA position 1217, T replaced by C.
Protein change: p.Val406Ala; replaces valine 406 with alanine.
Molecular consequence: missense variant.
Genome position (GRCh38, 1-based): chr14:23,429,269, A>G on the plus strand (T>C on the coding strand, the complement: MYH7 is on the minus strand). VCF-style: chr14-23429269-A-G. GRCh37 (hg19) VCF-style: chr14-23898478-A-G.
Other names: short protein forms V406A.
Identifiers: ClinVar variation 1380353 (VCV001380353.8), dbSNP rs2138675887, ClinGen allele CA389051103.
Genomic context (GRCh38, chr14:23,429,269, plus strand): 5'-TCATCTGAAGATGGACCCACCTGCTGGACATTCTGCCCCTTGGTGACGTACTCATTGCCC[A>G]CTTTCACCCGAGGGTGGCACAGCCCCTTGAGCAGGTCGGCTGAGTTCAGCCCCATGAGGT-3'
Protein context (NP_000248.2, residues 396-416): LKGLCHPRVK[Val406Ala]GNEYVTKGQN